The following is an entry in ClinVar:

NM_006587.4(CORIN):c.738A>G (p.Gln246=)

Gene: CORIN (corin, serine peptidase; minus strand). Cytogenetic location: 4p12.
Variant type: single nucleotide variant.
Coding change: c.738A>G on transcript NM_006587.4 (MANE Select); coding-DNA position 738, A replaced by G.
Protein change: p.Gln246=; no amino-acid change (glutamine 246 retained).
Molecular consequence: synonymous variant.
Genome position (GRCh38, 1-based): chr4:47,744,463, T>C on the plus strand (A>G on the coding strand, the complement: CORIN is on the minus strand). VCF-style: chr4-47744463-T-C. GRCh37 (hg19) VCF-style: chr4-47746480-T-C.
Other names: c.537A>G, p.Gln179= (NM_001278585.2); c.738A>G, p.Gln246= (NM_001278586.2).
Identifiers: ClinVar variation 3043193 (VCV003043193.2), dbSNP rs567348021, ClinGen allele CA2909935.
Genomic context (GRCh38, chr4:47,744,463, plus strand): 5'-TTGCTTTCCGTTTTCCTGCTGAGGTGAGAAGCAAATTCTGCTGACATTGCTGCTTTCAGT[T>C]TGGTTTCTAAACTGGGAGCATCTGAGGAAATCCGGCCAGGAGTAATTCACCATCCCCAGG-3'
Protein context (NP_006578.2, residues 236-256): DFLRCSQFRN[Gln246=]TESSNVSRIC

ClinVar aggregate classification (germline): Likely benign (0 of 4 stars; one submission).

Conditions:
CORIN-related disorder. Also called: CORIN-related condition.

Allele frequency attached by ClinVar (database versions not stated): TOPMed 0.00004; gnomAD 0.00023; gnomAD exomes 0.00041; 1000 Genomes Project 30x 0.00062; 1000 Genomes Project 0.00080; ExAC 0.00086.
gnomAD v4.1: 630 of 1,614,138 alleles (0.039%); highest among the groups gnomAD compares: South Asian, 0.66%; 6 homozygotes.

Submission:

PreventionGenetics, part of Exact Sciences
Classification: Likely benign for CORIN-related condition. Last evaluated: 2019-02-22. Review status: no assertion criteria provided. Collection method: clinical testing. Allele origin: germline.
Comment: This variant is classified as likely benign based on ACMG/AMP sequence variant interpretation guidelines (Richards et al. 2015 PMID: 25741868, with internal and published modifications).